The following is an entry in ClinVar:

NM_033022.4(RPS24):c.391-3C>G

Gene: RPS24 (ribosomal protein S24; plus strand). Cytogenetic location: 10q22.3.
Variant type: single nucleotide variant.
Coding change: c.391-3C>G on transcript NM_033022.4 (MANE Select); 3 bases into the intron before coding-DNA position 391, C replaced by G.
Molecular consequence: intron variant.
Genome position (GRCh38, 1-based): chr10:78,040,201, C>G. VCF-style: chr10-78040201-C-G. GRCh37 (hg19) VCF-style: chr10-79799959-C-G.
Other names: c.390+2897C>G (NM_001142285.2); c.*13-3C>G (NM_001142283.2, NM_001142284.2); c.394-3C>G (NM_001142282.2); c.391-414C>G (NM_001026.5).
Identifiers: ClinVar variation 4753672 (VCV004753672.1).

ClinVar aggregate classification (germline): Uncertain significance (1 of 4 stars; one submission).

Conditions:
Diamond-Blackfan anemia. Also called: Blackfan Diamond syndrome; Aregenerative anemia chronic congenital; Red cell aplasia, pure hereditary; Congenital hypoplastic anemia; Aase syndrome. Identifiers: Orphanet 124, MedGen C1260899, MeSH D029503, MONDO:0015253, HP:0004810.

gnomAD v4.1: 2 of 1,613,346 alleles (0.00012%); highest among the groups gnomAD compares: East Asian, 0.0022%; no homozygotes.

Submission:

Labcorp Genetics (formerly Invitae), Labcorp
Classification: Uncertain significance for Diamond-Blackfan anemia. Last evaluated: 2025-03-05. Review status: criteria provided, single submitter. Criteria: Invitae Variant Classification Sherloc (09022015). Collection method: clinical testing. Allele origin: germline.
Comment: This sequence change falls in intron 4 of the RPS24 gene. It does not directly change the encoded amino acid sequence of the RPS24 protein. It affects a nucleotide within the consensus splice site. This variant is not present in population databases (gnomAD no frequency). This variant has not been reported in the literature in individuals affected with RPS24-related conditions. Variants that disrupt the consensus splice site are a relatively common cause of aberrant splicing (PMID: 17576681, 9536098). Algorithms developed to predict the effect of sequence changes on RNA splicing suggest that this variant may disrupt the consensus splice site. In summary, the available evidence is currently insufficient to determine the role of this variant in disease. Therefore, it has been classified as a Variant of Uncertain Significance.

Literature cited by the submitters: PubMed 17576681; PubMed 9536098.